The following is an entry in ClinVar:

NM_004056.6(CA8):c.490G>T (p.Ala164Ser)

Gene: CA8 (carbonic anhydrase 8; minus strand). Cytogenetic location: 8q12.1.
Variant type: single nucleotide variant.
Coding change: c.490G>T on transcript NM_004056.6 (MANE Select); coding-DNA position 490, G replaced by T.
Protein change: p.Ala164Ser; replaces alanine 164 with serine.
Molecular consequence: missense variant. On other transcripts: non-coding transcript variant (1), intron variant (1).
Genome position (GRCh38, 1-based): chr8:60,232,307, C>A on the plus strand (G>T on the coding strand, the complement: CA8 is on the minus strand). VCF-style: chr8-60232307-C-A. GRCh37 (hg19) VCF-style: chr8-61144866-C-A.
Other names: c.490G>T, p.Ala164Ser (NM_001321837.2, NM_001321838.2, NM_001412131.1); c.418-5372G>T (NM_001321839.2); short protein forms A164S.
Identifiers: ClinVar variation 1744046 (VCV001744046.2), dbSNP rs746839542, ClinGen allele CA371397562.
Genomic context (GRCh38, chr8:60,232,307, plus strand): 5'-TCTCTAAACAATACGATAATCACAGCAGACCGTTTACCTGAACAAACAGAGCAATGATGG[C>A]GATTCCGTGCGGCTTCCCCACAGCCTCATCAATGCTGCCAAACAGAGTGGAGTTCCAGTG-3'
Protein context (NP_004047.3, residues 154-174): DEAVGKPHGI[Ala164Ser]IIALFVQIGK

ClinVar aggregate classification (germline): Uncertain significance (1 of 4 stars; one submission).

Conditions:
Inborn genetic diseases. Identifiers: MedGen C0950123, MeSH D030342.

gnomAD v4.1: 17 of 1,613,060 alleles (0.0011%); highest among the groups gnomAD compares: African/African-American, 0.0013%; no homozygotes.

Submission:

Ambry Genetics
Classification: Uncertain significance for Inborn genetic diseases. Last evaluated: 2017-11-29. Review status: criteria provided, single submitter. Criteria: Ambry Variant Classification Scheme 2023. Collection method: clinical testing. Allele origin: germline.
Comment: The p.A164S variant (also known as c.490G>T), located in coding exon 4 of the CA8 gene, results from a G to T substitution at nucleotide position 490. The alanine at codon 164 is replaced by serine, an amino acid with similar properties. This amino acid position is well conserved in available vertebrate species. In addition, this alteration is predicted to be tolerated by in silico analysis. Since supporting evidence is limited at this time, the clinical significance of this alteration remains unclear.